The following is an entry in ClinVar:

NM_152594.3(SPRED1):c.881A>T (p.Tyr294Phe)

Gene: SPRED1 (sprouty related EVH1 domain containing 1; plus strand). Cytogenetic location: 15q14.
Variant type: single nucleotide variant.
Coding change: c.881A>T on transcript NM_152594.3 (MANE Select); coding-DNA position 881, A replaced by T.
Protein change: p.Tyr294Phe; replaces tyrosine 294 with phenylalanine.
Molecular consequence: missense variant.
Genome position (GRCh38, 1-based): chr15:38,351,210, A>T. VCF-style: chr15-38351210-A-T. GRCh37 (hg19) VCF-style: chr15-38643411-A-T.
Other names: short protein forms Y294F.
Identifiers: ClinVar variation 315736 (VCV000315736.14), dbSNP rs886051105, ClinGen allele CA10635893.
Genomic context (GRCh38, chr15:38,351,210, plus strand): 5'-ATGATGCTGATTCCAGTATTCAGTTTTCTAAACCAGACAGTAAAAAATCAGACTATCTGT[A>T]CTCTTGTGGGGATGAGACTAAGTTAAGTTCACCCAAAGACTCTGTGGTATTTAAGACGCA-3'
Protein context (NP_689807.1, residues 284-304): KPDSKKSDYL[Tyr294Phe]SCGDETKLSS

ClinVar aggregate classification (germline): Uncertain significance. Review status: criteria provided, multiple submitters, no conflicts (2 of 4 stars). 3 submissions from 3 submitters: Uncertain significance (3). Last evaluated 2020-09-15.

Conditions:
Legius syndrome. Identifiers: Orphanet 137605, MedGen C1969623, MONDO:0012669, OMIM 611431. Disease mechanism: loss of function.

Allele frequency attached by ClinVar (database versions not stated): gnomAD 0.00001.
gnomAD v4.1: 1 of 1,614,074 alleles (0.000062%); highest among the groups gnomAD compares: East Asian, 0.0022%; no homozygotes.

Submissions (3):

Labcorp Genetics (formerly Invitae), Labcorp
Classification: Uncertain significance for Legius syndrome. Last evaluated: 2020-09-15. Review status: criteria provided, single submitter. Criteria: Invitae Variant Classification Sherloc (09022015). Collection method: clinical testing. Allele origin: germline.
Comment: In summary, the available evidence is currently insufficient to determine the role of this variant in disease. Therefore, it has been classified as a Variant of Uncertain Significance. Algorithms developed to predict the effect of missense changes on protein structure and function (SIFT, PolyPhen-2, Align-GVGD) all suggest that this variant is likely to be tolerated, but these predictions have not been confirmed by published functional studies and their clinical significance is uncertain. This variant has not been reported in the literature in individuals with SPRED1-related conditions. ClinVar contains an entry for this variant (Variation ID: 315736). This variant is not present in population databases (ExAC no frequency). This sequence change replaces tyrosine with phenylalanine at codon 294 of the SPRED1 protein (p.Tyr294Phe). The tyrosine residue is highly conserved and there is a small physicochemical difference between tyrosine and phenylalanine.

Women's Health and Genetics/Laboratory Corporation of America, LabCorp
Classification: Uncertain significance. Last evaluated: 2019-11-18. Review status: criteria provided, single submitter. Criteria: LabCorp Variant Classification Summary - May 2015. Collection method: clinical testing. Allele origin: germline.
Comment: Variant summary: SPRED1 c.881A>T (p.Tyr294Phe) results in a conservative amino acid change in the encoded protein sequence. Four of five in-silico tools predict a benign effect of the variant on protein function. The variant was absent in 251266 control chromosomes. The available data on variant occurrences in the general population are insufficient to allow any conclusion about variant significance. To our knowledge, no occurrence of c.881A>T in individuals affected with Noonan Syndrome and Related Conditions and no experimental evidence demonstrating its impact on protein function have been reported. One clinical diagnostic laboratory has submitted clinical-significance assessments for this variant to ClinVar after 2014 without evidence for independent evaluation and classified the variant as uncertain significance. Based on the evidence outlined above, the variant was classified as uncertain significance.

Illumina Laboratory Services, Illumina
Classification: Uncertain significance for Legius syndrome. Last evaluated: 2018-01-13. Review status: criteria provided, single submitter. Criteria: ICSL Variant Classification Criteria 13 December 2019. Collection method: clinical testing. Allele origin: germline.